The following is an entry in ClinVar:

NM_000293.3(PHKB):c.1797+1G>C

Gene: PHKB (phosphorylase kinase regulatory subunit beta; plus strand). Cytogenetic location: 16q12.1.
Variant type: single nucleotide variant.
Coding change: c.1797+1G>C on transcript NM_000293.3 (MANE Select); the canonical splice donor site of the intron after coding-DNA position 1797, G replaced by C.
Molecular consequence: splice donor variant.
Genome position (GRCh38, 1-based): chr16:47,649,205, G>C. VCF-style: chr16-47649205-G-C. GRCh37 (hg19) VCF-style: chr16-47683116-G-C.
Other names: c.1797+1G>C (NM_001363837.1); c.1776+1G>C (NM_001031835.3).
Identifiers: ClinVar variation 1067643 (VCV001067643.7), dbSNP rs777714363, ClinGen allele CA395786363.

ClinVar aggregate classification (germline): Likely pathogenic (1 of 4 stars; one submission).

Conditions:
Glycogen storage disease IXb (GSD9B). Also called: GLYCOGENOSIS OF LIVER AND MUSCLE, AUTOSOMAL RECESSIVE; GSD IXb; PHOSPHORYLASE KINASE DEFICIENCY OF LIVER AND MUSCLE, AUTOSOMAL RECESSIVE. Identifiers: Orphanet 79240, MedGen C0543514, MONDO:0009868, OMIM 261750.

Allele frequency attached by ClinVar (database versions not stated): TOPMed below 0.00001.
gnomAD v4.1: 2 of 1,503,106 alleles (0.00013%); highest among the groups gnomAD compares: Non-Finnish European, 0.00019%; no homozygotes.

Submission:

Labcorp Genetics (formerly Invitae), Labcorp
Classification: Likely pathogenic for Glycogen storage disease IXb. Last evaluated: 2020-10-07. Review status: criteria provided, single submitter. Criteria: Invitae Variant Classification Sherloc (09022015). Collection method: clinical testing. Allele origin: germline.
Comment: This variant is not present in population databases (ExAC no frequency). This sequence change affects a donor splice site in intron 18 of the PHKB gene. It is expected to disrupt RNA splicing and likely results in an absent or disrupted protein product. This variant has not been reported in the literature in individuals with PHKB-related conditions. In summary, the currently available evidence indicates that the variant is pathogenic, but additional data are needed to prove that conclusively. Therefore, this variant has been classified as Likely Pathogenic. Donor and acceptor splice site variants typically lead to a loss of protein function (PMID: 16199547), and loss-of-function variants in PHKB are known to be pathogenic (PMID: 9215682, 9326319). Algorithms developed to predict the effect of sequence changes on RNA splicing suggest that this variant may disrupt the consensus splice site, but this prediction has not been confirmed by published transcriptional studies.

Literature cited by the submitters: PubMed 16199547; PubMed 9215682; PubMed 9326319.